The following is an entry in ClinVar:

NM_001374828.1(ARID1B):c.271G>C (p.Ala91Pro)

Genes: ARID1B (AT-rich interaction domain 1B; plus strand), LOC115308161 (uncharacterized LOC115308161; minus strand), LOC129997523 (ATAC-STARR-seq lymphoblastoid silent region 17710; plus strand). Cytogenetic location: 6q25.3.
Variant type: single nucleotide variant.
Coding change: c.271G>C on transcript NM_001374828.1 (MANE Select); coding-DNA position 271, G replaced by C.
Protein change: p.Ala91Pro; replaces alanine 91 with proline.
Molecular consequence: missense variant.
Genome position (GRCh38, 1-based): chr6:156,777,951, G>C. VCF-style: chr6-156777951-G-C. GRCh37 (hg19) VCF-style: chr6-157099085-G-C.
Other names: c.22G>C, p.Ala8Pro (NM_001346813.1, NM_020732.3); c.271G>C, p.Ala91Pro (NM_001371656.1, NM_001374820.1, NM_017519.3); short protein forms A8P, A91P.
Identifiers: ClinVar variation 1789270 (VCV001789270.13), dbSNP rs1351910038, ClinGen allele CA366380913.

ClinVar aggregate classification (germline): Conflicting classifications of pathogenicity. Review status: criteria provided, conflicting classifications (1 of 4 stars). 3 submissions from 3 submitters: Uncertain significance (2); Likely benign (1). Last evaluated 2025-08-01.

Conditions:
Inborn genetic diseases. Identifiers: MedGen C0950123, MeSH D030342.

Allele frequency attached by ClinVar (database versions not stated): TOPMed 0.00002.

Submissions (3):

CeGaT Center for Human Genetics Tuebingen
Classification: Uncertain significance. Last evaluated: 2025-08-01. Review status: criteria provided, single submitter. Criteria: CeGaT Center For Human Genetics Tuebingen Variant Classification Criteria Version 2. Collection method: clinical testing. Allele origin: germline. Affected: yes. Observed: 1 variant allele.

Labcorp Genetics (formerly Invitae), Labcorp
Classification: Likely benign. Last evaluated: 2024-10-23. Review status: criteria provided, single submitter. Criteria: Invitae Variant Classification Sherloc (09022015). Collection method: clinical testing. Allele origin: germline.

Ambry Genetics
Classification: Uncertain significance for Inborn genetic diseases. Last evaluated: 2017-09-06. Review status: criteria provided, single submitter. Criteria: Ambry Variant Classification Scheme 2023. Collection method: clinical testing. Allele origin: germline.
Comment: The p.A8P variant (also known as c.22G>C), located in coding exon 1 of the ARID1B gene, results from a G to C substitution at nucleotide position 22. The alanine at codon 8 is replaced by proline, an amino acid with highly similar properties. This amino acid position is conserved on limited sequence alignment. In addition, this alteration is predicted to be tolerated by SIFT in silico analysis. Since supporting evidence is limited at this time, the clinical significance of this alteration remains unclear.